The following is an entry in ClinVar:

ClinVar aggregate classification (germline): Uncertain significance (1 of 4 stars; one submission).

Conditions:
Aortic valve disease 2 (AOVD2). Identifiers: MedGen C3542024, MONDO:0013902, OMIM 614823.

Submission:

Labcorp Genetics (formerly Invitae), Labcorp
Classification: Uncertain significance for Aortic valve disease 2. Last evaluated: 2025-04-02. Review status: criteria provided, single submitter. Criteria: Invitae Variant Classification Sherloc (09022015). Collection method: clinical testing. Allele origin: germline.
Comment: This sequence change replaces alanine, which is neutral and non-polar, with glycine, which is neutral and non-polar, at codon 49 of the SMAD6 protein (p.Ala49Gly). This variant is not present in population databases (gnomAD no frequency). This variant has not been reported in the literature in individuals affected with SMAD6-related conditions. An algorithm developed to predict the effect of missense changes on protein structure and function outputs the following: PolyPhen-2: "Benign". The glycine amino acid residue is found in multiple mammalian species, which suggests that this missense change does not adversely affect protein function. In summary, the available evidence is currently insufficient to determine the role of this variant in disease. Therefore, it has been classified as a Variant of Uncertain Significance.

NM_005585.5(SMAD6):c.146C>G (p.Ala49Gly)

Gene: SMAD6 (SMAD family member 6; plus strand). Cytogenetic location: 15q22.31.
Variant type: single nucleotide variant.
Coding change: c.146C>G on transcript NM_005585.5 (MANE Select); coding-DNA position 146, C replaced by G.
Protein change: p.Ala49Gly; replaces alanine 49 with glycine.
Molecular consequence: missense variant. On other transcripts: non-coding transcript variant (1).
Genome position (GRCh38, 1-based): chr15:66,703,404, C>G. VCF-style: chr15-66703404-C-G. GRCh37 (hg19) VCF-style: chr15-66995742-C-G.
Other names: short protein forms A49G.
Identifiers: ClinVar variation 4804555 (VCV004804555.1).